The following is an entry in ClinVar:

ClinVar aggregate classification (germline): Uncertain significance (1 of 4 stars; one submission).

gnomAD v4.1: 4 of 1,481,162 alleles (0.00027%); highest among the groups gnomAD compares: African/African-American, 0.0058%; no homozygotes.

Submission:

Labcorp Genetics (formerly Invitae), Labcorp
Classification: Uncertain significance. Last evaluated: 2025-07-11. Review status: criteria provided, single submitter. Criteria: Invitae Variant Classification Sherloc (09022015). Collection method: clinical testing. Allele origin: germline.
Comment: This sequence change replaces valine, which is neutral and non-polar, with glycine, which is neutral and non-polar, at codon 139 of the OBSL1 protein (p.Val139Gly). This variant is not present in population databases (gnomAD no frequency). This variant has not been reported in the literature in individuals affected with OBSL1-related conditions. An algorithm developed to predict the effect of missense changes on protein structure and function (PolyPhen-2) suggests that this variant is likely to be disruptive. In summary, the available evidence is currently insufficient to determine the role of this variant in disease. Therefore, it has been classified as a Variant of Uncertain Significance.

NM_015311.3(OBSL1):c.416T>G (p.Val139Gly)

Gene: OBSL1 (obscurin like cytoskeletal adaptor 1; minus strand). Cytogenetic location: 2q35.
Variant type: single nucleotide variant.
Coding change: c.416T>G on transcript NM_015311.3 (MANE Select); coding-DNA position 416, T replaced by G.
Protein change: p.Val139Gly; replaces valine 139 with glycine.
Molecular consequence: missense variant.
Genome position (GRCh38, 1-based): chr2:219,570,817, A>C on the plus strand (T>G on the coding strand, the complement: OBSL1 is on the minus strand). VCF-style: chr2-219570817-A-C. GRCh37 (hg19) VCF-style: chr2-220435539-A-C.
Other names: c.416T>G, p.Val139Gly (NM_001173408.2, NM_001173431.2); short protein forms V139G.
Identifiers: ClinVar variation 4719607 (VCV004719607.1).
Genomic context (GRCh38, chr2:219,570,817, plus strand): 5'-AGTGTGGGCTCGGGGAGGCCCCCCGCCCGGCACGTCAGCACCACCTCCGCCCCCCGCAGC[A>C]CCCACTGGGATCGAGGCCCCGTGAGGAAGACCGGGGCGCCCTCCCCGGACCCCGGCGATG-3'
Protein context (NP_056126.1, residues 129-149): VFLTGPRSQW[Val139Gly]LRGAEVVLTC